The following is an entry in ClinVar:

NM_000197.2(HSD17B3):c.618C>T (p.Cys206=)

Genes: HSD17B3 (hydroxysteroid 17-beta dehydrogenase 3; minus strand), SLC35D2-HSD17B3 (SLC35D2-HSD17B3 readthrough; minus strand). Cytogenetic location: 9q22.32.
Variant type: single nucleotide variant.
Coding change: c.618C>T on transcript NM_000197.2 (MANE Select); coding-DNA position 618, C replaced by T.
Protein change: p.Cys206=; no amino-acid change (cysteine 206 retained).
Molecular consequence: synonymous variant. On other transcripts: non-coding transcript variant (1).
Genome position (GRCh38, 1-based): chr9:96,244,383, G>A on the plus strand (C>T on the coding strand, the complement: HSD17B3 is on the minus strand). VCF-style: chr9-96244383-G-A. GRCh37 (hg19) VCF-style: chr9-99006665-G-A.
Other names: c.618C>T (NM_000197.1).
Identifiers: ClinVar variation 2720903 (VCV002720903.4), dbSNP rs368690398, ClinGen allele CA5140323.
Genomic context (GRCh38, chr9:96,244,383, plus strand): 5'-CCTCACCTGGATGATGACTTCTTTTGCTTTATATTCCTCTTGCAGGGCCTTGGAAAATGC[G>A]CACACAAACGCCTGGAGCAAGAAGGAGAGACACCTGAGGCCCCAGAGTGAGCTCCCTCGT-3'
Protein context (NP_000188.1, residues 196-216): SMYSASKAFV[Cys206=]AFSKALQEEY

ClinVar aggregate classification (germline): Likely benign. Review status: criteria provided, multiple submitters, no conflicts (2 of 4 stars). 2 submissions from 2 submitters: Likely benign (2). Last evaluated 2025-09-08.

Conditions:
HSD17B3-related disorder. Also called: HSD17B3-related condition.

Allele frequency attached by ClinVar (database versions not stated): gnomAD exomes 0.00006; ExAC 0.00007; ESP Exome Variant Server 0.00008.
gnomAD v4.1: 103 of 1,613,952 alleles (0.0064%); highest among the groups gnomAD compares: Admixed American, 0.0083%; no homozygotes.

Submissions (2):

PreventionGenetics, part of Exact Sciences
Classification: Likely benign for HSD17B3-related condition. Last evaluated: 2025-09-08. Review status: criteria provided, single submitter. Criteria: ACMG Guidelines, 2015. Collection method: clinical testing. Allele origin: germline.
Comment: This variant is classified as likely benign based on ACMG/AMP sequence variant interpretation guidelines (Richards et al. 2015 PMID: 25741868, with internal and published modifications).

Labcorp Genetics (formerly Invitae), Labcorp
Classification: Likely benign. Last evaluated: 2024-02-19. Review status: criteria provided, single submitter. Criteria: Invitae Variant Classification Sherloc (09022015). Collection method: clinical testing. Allele origin: germline.